The following is an entry in ClinVar:

NM_181523.3(PIK3R1):c.502G>A (p.Asp168Asn)

Gene: PIK3R1 (phosphoinositide-3-kinase regulatory subunit 1; plus strand). Cytogenetic location: 5q13.1.
Variant type: single nucleotide variant.
Coding change: c.502G>A on transcript NM_181523.3 (MANE Select); coding-DNA position 502, G replaced by A.
Protein change: p.Asp168Asn; replaces aspartic acid 168 with asparagine.
Molecular consequence: missense variant.
Genome position (GRCh38, 1-based): chr5:68,274,013, G>A. VCF-style: chr5-68274013-G-A. GRCh37 (hg19) VCF-style: chr5-67569841-G-A.
Other names: short protein forms D168N.
Identifiers: ClinVar variation 2940642 (VCV002940642.3), dbSNP rs2530931048, ClinGen allele CA359873148.

ClinVar aggregate classification (germline): Uncertain significance (1 of 4 stars; one submission).

Conditions:
SHORT syndrome. Also called: LIPODYSTROPHY, PARTIAL, WITH RIEGER ANOMALY AND SHORT STATURE; PIK3R1-Related SHORT Syndrome; SHORT STATURE, HYPEREXTENSIBILITY, HERNIA, OCULAR DEPRESSION, RIEGER ANOMALY, AND TEETHING DELAY. Identifiers: Orphanet 3163, MedGen C0878684, MONDO:0010026, OMIM 269880.
Agammaglobulinemia 7, autosomal recessive (AGM7). Also called: AGAMMAGLOBULINEMIA, AUTOSOMAL RECESSIVE, DUE TO PIK3R1 DEFECT. Identifiers: MedGen C3554689, MONDO:0014083, OMIM 615214.
Immunodeficiency 36 with lymphoproliferation. Also called: Immunodeficiency 36; ACTIVATED PI3K-DELTA SYNDROME 2; Activated PI3K Delta Syndrome Type 2 (APDS2). Identifiers: Orphanet 397596, Orphanet 693681, MedGen C4014934, MONDO:0014453, OMIM 616005.

Submission:

Labcorp Genetics (formerly Invitae), Labcorp
Classification: Uncertain significance for SHORT syndrome; Immunodeficiency 36 with lymphoproliferation; Agammaglobulinemia 7, autosomal recessive. Last evaluated: 2023-03-23. Review status: criteria provided, single submitter. Criteria: Invitae Variant Classification Sherloc (09022015). Collection method: clinical testing. Allele origin: germline.
Comment: This sequence change replaces aspartic acid, which is acidic and polar, with asparagine, which is neutral and polar, at codon 168 of the PIK3R1 protein (p.Asp168Asn). This variant also falls at the last nucleotide of exon 4, which is part of the consensus splice site for this exon. This variant is not present in population databases (gnomAD no frequency). This variant has not been reported in the literature in individuals affected with PIK3R1-related conditions. An algorithm developed to predict the effect of missense changes on protein structure and function (PolyPhen-2) suggests that this variant is likely to be tolerated. Variants that disrupt the consensus splice site are a relatively common cause of aberrant splicing (PMID: 17576681, 9536098). Algorithms developed to predict the effect of sequence changes on RNA splicing suggest that this variant may disrupt the consensus splice site. In summary, the available evidence is currently insufficient to determine the role of this variant in disease. Therefore, it has been classified as a Variant of Uncertain Significance.

Literature cited by the submitters: PubMed 17576681; PubMed 9536098.